The following is an entry in ClinVar:

NM_022356.4(P3H1):c.1051G>T (p.Glu351Ter)

Gene: P3H1 (prolyl 3-hydroxylase 1; minus strand). Cytogenetic location: 1p34.2.
Variant type: single nucleotide variant.
Coding change: c.1051G>T on transcript NM_022356.4 (MANE Select); coding-DNA position 1051, G replaced by T.
Protein change: p.Glu351Ter; replaces glutamic acid 351 with a stop codon.
Molecular consequence: nonsense.
Genome position (GRCh38, 1-based): chr1:42,757,812, C>A on the plus strand (G>T on the coding strand, the complement: P3H1 is on the minus strand). VCF-style: chr1-42757812-C-A. GRCh37 (hg19) VCF-style: chr1-43223483-C-A.
Other names: c.1051G>T, p.Glu351Ter (NM_001146289.2, NM_001243246.2); short protein forms E351*.
Identifiers: ClinVar variation 2827618 (VCV002827618.4), dbSNP rs2124135089, ClinGen allele CA339958809.

ClinVar aggregate classification (germline): Pathogenic/Likely pathogenic. Review status: criteria provided, multiple submitters, no conflicts (2 of 4 stars). 2 submissions from 2 submitters: Pathogenic (1); Likely pathogenic (1). Last evaluated 2024-04-03.

Conditions:
Osteogenesis imperfecta type 8 (OI8). Identifiers: MedGen C1970458, MONDO:0012581, OMIM 610915.

gnomAD v4.1: 2 of 1,614,242 alleles (0.00012%); highest among the groups gnomAD compares: Non-Finnish European, 0.00017%; no homozygotes.

Submissions (2):

Fulgent Genetics
Classification: Likely pathogenic for Osteogenesis imperfecta type 8. Last evaluated: 2024-04-03. Review status: criteria provided, single submitter. Criteria: ACMG Guidelines, 2015. Collection method: clinical testing. Allele origin: germline.

Labcorp Genetics (formerly Invitae), Labcorp
Classification: Pathogenic for Osteogenesis imperfecta type 8. Last evaluated: 2023-03-29. Review status: criteria provided, single submitter. Criteria: Invitae Variant Classification Sherloc (09022015). Collection method: clinical testing. Allele origin: germline.
Comment: This variant is not present in population databases (gnomAD no frequency). For these reasons, this variant has been classified as Pathogenic. This premature translational stop signal has been observed in individual(s) with osteogenesis imperfecta (PMID: 35052464). This sequence change creates a premature translational stop signal (p.Glu351*) in the P3H1 gene. It is expected to result in an absent or disrupted protein product. Loss-of-function variants in P3H1 are known to be pathogenic (PMID: 17277775, 18566967, 19088120, 22281939).

Literature cited by the submitters: PubMed 35052464 (cited by Labcorp Genetics (formerly Invitae), Labcorp); PubMed 17277775 (cited by Labcorp Genetics (formerly Invitae), Labcorp); PubMed 18566967 (cited by Labcorp Genetics (formerly Invitae), Labcorp); PubMed 19088120 (cited by Labcorp Genetics (formerly Invitae), Labcorp); PubMed 22281939 (cited by Labcorp Genetics (formerly Invitae), Labcorp).